The following is an entry in ClinVar:

NM_001103.4(ACTN2):c.165C>T (p.Ala55=)

Gene: ACTN2 (actinin alpha 2; plus strand). Cytogenetic location: 1q43.
Variant type: single nucleotide variant.
Coding change: c.165C>T on transcript NM_001103.4 (MANE Select); coding-DNA position 165, C replaced by T.
Protein change: p.Ala55=; no amino-acid change (alanine 55 retained).
Molecular consequence: synonymous variant. On other transcripts: 5 prime UTR variant (1).
Genome position (GRCh38, 1-based): chr1:236,717,896, C>T. VCF-style: chr1-236717896-C-T. GRCh37 (hg19) VCF-style: chr1-236881196-C-T.
Other names: c.165C>T, p.Ala55= (NM_001278343.2); c.-657C>T (NM_001278344.2).
Identifiers: ClinVar variation 35648 (VCV000035648.44), dbSNP rs193922634, ClinGen allele CA133145.

ClinVar aggregate classification (germline): Benign/Likely benign. Review status: criteria provided, multiple submitters, no conflicts (2 of 4 stars). 10 submissions from 10 submitters: Benign (2); Likely benign (5). 3 of the submissions do not count toward it. Last evaluated 2026-09-22.

Conditions:
ACTN2-related disorder. Also called: ACTN2-related disorders; ACTN2 related condition.
Cardiovascular phenotype. Identifiers: MedGen CN230736.
Primary familial hypertrophic cardiomyopathy (HCM). Identifiers: Orphanet 99739, MedGen C0949658, MeSH D024741, MONDO:0024573. Inheritance: Various modes of inheritance.
Dilated cardiomyopathy 1AA (CMD1AA). Also called: CARDIOMYOPATHY, DILATED, 1AA, WITH OR WITHOUT LEFT VENTRICULAR NONCOMPACTION; CARDIOMYOPATHY, FAMILIAL HYPERTROPHIC, 23, WITH OR WITHOUT LEFT VENTRICULAR NONCOMPACTION; Cardiomyopathy, dilated, 1AA, with or without LVNC. Identifiers: Orphanet 154, MedGen C2677338, MONDO:0012808, OMIM 612158.

Allele frequency attached by ClinVar (database versions not stated): ESP Exome Variant Server 0.00008; gnomAD exomes 0.00008 and 0.00016; TOPMed 0.00008; gnomAD 0.00009 and 0.00011; ExAC 0.00019; 1000 Genomes Project 30x 0.00031; 1000 Genomes Project 0.00040.
gnomAD v4.1: 139 of 1,614,028 alleles (0.0086%); highest among the groups gnomAD compares: South Asian, 0.083%; 4 homozygotes.

Submissions (10):

PreventionGenetics, part of Exact Sciences
Classification: Likely benign for ACTN2-related condition. Last evaluated: 2026-09-22. Review status: criteria provided, single submitter. Criteria: ACMG Guidelines, 2015. Collection method: clinical testing. Allele origin: germline.
Comment: This variant is classified as likely benign based on ACMG/AMP sequence variant interpretation guidelines (Richards et al. 2015 PMID: 25741868, with internal and published modifications).

Labcorp Genetics (formerly Invitae), Labcorp
Classification: Benign for Primary familial hypertrophic cardiomyopathy; Dilated cardiomyopathy 1AA. Last evaluated: 2025-12-20. Review status: criteria provided, single submitter. Criteria: Invitae Variant Classification Sherloc (09022015). Collection method: clinical testing. Allele origin: germline.

CeGaT Center for Human Genetics Tuebingen
Classification: Likely benign. Last evaluated: 2022-11-01. Review status: criteria provided, single submitter. Criteria: CeGaT Center For Human Genetics Tuebingen Variant Classification Criteria Version 2. Collection method: clinical testing. Allele origin: germline. Affected: yes. Observed: 1 variant allele.
Comment: ACTN2: BP4, BP7

Women's Health and Genetics/Laboratory Corporation of America, LabCorp
Classification: Benign. Last evaluated: 2022-03-19. Review status: criteria provided, single submitter. Criteria: LabCorp Variant Classification Summary - May 2015. Collection method: clinical testing. Allele origin: germline.

Ambry Genetics
Classification: Likely benign for Cardiovascular phenotype. Last evaluated: 2020-10-02. Review status: criteria provided, single submitter. Criteria: Ambry Variant Classification Scheme 2023. Collection method: clinical testing. Allele origin: germline.

GeneDx
Classification: Likely benign. Last evaluated: 2019-03-27. Review status: criteria provided, single submitter. Criteria: GeneDx Variant Classification Process June 2021. Collection method: clinical testing. Allele origin: germline. Affected: yes.
Comment: This variant is associated with the following publications: (PMID: 24503780)

Laboratory for Molecular Medicine, Mass General Brigham Personalized Medicine
Classification: Likely benign. Last evaluated: 2012-05-08. Review status: criteria provided, single submitter. Criteria: LMM Criteria. Collection method: clinical testing. Allele origin: germline. Observed: 2 variant alleles.
Comment: Ala55Ala in exon 2 of ACTN2: This variant is not expected to have clinical signi ficance because it does not alter an amino acid residue and is not located withi n the splice consensus sequence. It has been identified in 1/3738 African Americ an chromosomes from a broad population by the NHLBI Exome Sequencing Project. Ala55Ala in exon 2 of ACTN2 (allele frequenc y= 1/3738) **

Clinical Genetics DNA and cytogenetics Diagnostics Lab, Erasmus MC, Erasmus Medical Center
Classification: Likely benign. Review status: no assertion criteria provided. Collection method: clinical testing. Allele origin: germline. Affected: yes. Study: VKGL Data-share Consensus. Not counted in ClinVar's aggregate classification.

Clinical Genetics, Academic Medical Center
Classification: Benign. Review status: no assertion criteria provided. Collection method: clinical testing. Allele origin: germline. Affected: yes. Study: VKGL Data-share Consensus. Not counted in ClinVar's aggregate classification.

Joint Genome Diagnostic Labs from Nijmegen and Maastricht, Radboudumc and MUMC+
Classification: Likely benign. Review status: no assertion criteria provided. Collection method: clinical testing. Allele origin: germline. Affected: yes. Study: VKGL Data-share Consensus. Not counted in ClinVar's aggregate classification.